The following is an entry in ClinVar:

ClinVar aggregate classification (germline): Uncertain significance (1 of 4 stars; one submission).

Conditions:
Marfan syndrome (MFS). Also called: FBN1-Related Marfan Syndrome; MARFAN SYNDROME, TYPE I; Marfan syndrome type 1; Marfan's syndrome; Marfan syndrome, classic. Identifiers: Orphanet 284963, Orphanet 558, MedGen C0024796, MONDO:0007947, OMIM 154700.
Familial thoracic aortic aneurysm and aortic dissection (TAAD). Also called: Thoracic aortic aneurysms and dissections. Identifiers: Orphanet 91387, MedGen C4707243, MONDO:0019625.

Submission:

Labcorp Genetics (formerly Invitae), Labcorp
Classification: Uncertain significance for Marfan syndrome; Familial thoracic aortic aneurysm and aortic dissection. Last evaluated: 2025-06-24. Review status: criteria provided, single submitter. Criteria: Invitae Variant Classification Sherloc (09022015). Collection method: clinical testing. Allele origin: germline.
Comment: This sequence change replaces glutamic acid, which is acidic and polar, with lysine, which is basic and polar, at codon 2608 of the FBN1 protein (p.Glu2608Lys). This variant is not present in population databases (gnomAD no frequency). This variant has not been reported in the literature in individuals affected with FBN1-related conditions. An algorithm developed to predict the effect of missense changes on protein structure and function (PolyPhen-2) suggests that this variant is likely to be disruptive. In summary, the available evidence is currently insufficient to determine the role of this variant in disease. Therefore, it has been classified as a Variant of Uncertain Significance.

NM_000138.5(FBN1):c.7822G>A (p.Glu2608Lys)

Gene: FBN1 (fibrillin 1; minus strand). Cytogenetic location: 15q21.1.
Variant type: single nucleotide variant.
Coding change: c.7822G>A on transcript NM_000138.5 (MANE Select); coding-DNA position 7822, G replaced by A.
Protein change: p.Glu2608Lys; replaces glutamic acid 2608 with lysine.
Molecular consequence: missense variant.
Genome position (GRCh38, 1-based): chr15:48,415,765, C>T on the plus strand (G>A on the coding strand, the complement: FBN1 is on the minus strand). VCF-style: chr15-48415765-C-T. GRCh37 (hg19) VCF-style: chr15-48707962-C-T.
Other names: c.7822G>A, p.Glu2608Lys (NM_001406716.1); short protein forms E2608K.
Identifiers: ClinVar variation 4785387 (VCV004785387.1).
Genomic context (GRCh38, chr15:48,415,765, plus strand): 5'-TCCCCAGGGTGTTGTGACAGGAGGCTCCTCCGCAGATGTGAGCGCTGAGGCATTCGTTTT[C>T]ATCTGCAGGCAAAATAAGAAGCGGCATGTGTGGCAGCAGCCAGAGATTTCTATTGAGGAC-3'
Protein context (NP_000129.3, residues 2598-2618): QHYQWNQCVD[Glu2608Lys]NECLSAHICG